The following is an entry in ClinVar:

ClinVar aggregate classification (germline): Uncertain significance (1 of 4 stars; one submission).

Conditions:
Benign neonatal seizures. Also called: Benign neonatal familial convulsions; Benign familial neonatal seizures; Convulsions benign familial neonatal dominant form; Autosomal dominant form of benign neonatal seizures; Benign familial neonatal epilepsy. Identifiers: Orphanet 1949, MedGen C0220669, MONDO:0016027.

Submission:

Labcorp Genetics (formerly Invitae), Labcorp
Classification: Uncertain significance for Benign neonatal seizures. Last evaluated: 2022-02-02. Review status: criteria provided, single submitter. Criteria: Invitae Variant Classification Sherloc (09022015). Collection method: clinical testing. Allele origin: germline.
Comment: In summary, the available evidence is currently insufficient to determine the role of this variant in disease. Therefore, it has been classified as a Variant of Uncertain Significance. Algorithms developed to predict the effect of missense changes on protein structure and function are either unavailable or do not agree on the potential impact of this missense change (SIFT: "Tolerated"; PolyPhen-2: "Probably Damaging"; Align-GVGD: "Class C0"). This variant has not been reported in the literature in individuals affected with KCNQ3-related conditions. This variant is not present in population databases (gnomAD no frequency). This sequence change replaces lysine, which is basic and polar, with glutamic acid, which is acidic and polar, at codon 259 of the KCNQ3 protein (p.Lys259Glu).

NM_004519.4(KCNQ3):c.775A>G (p.Lys259Glu)

Gene: KCNQ3 (potassium voltage-gated channel subfamily Q member 3; minus strand). Cytogenetic location: 8q24.22.
Variant type: single nucleotide variant.
Coding change: c.775A>G on transcript NM_004519.4 (MANE Select); coding-DNA position 775, A replaced by G.
Protein change: p.Lys259Glu; replaces lysine 259 with glutamic acid.
Molecular consequence: missense variant.
Genome position (GRCh38, 1-based): chr8:132,180,159, T>C on the plus strand (A>G on the coding strand, the complement: KCNQ3 is on the minus strand). VCF-style: chr8-132180159-T-C. GRCh37 (hg19) VCF-style: chr8-133192406-T-C.
Other names: c.415A>G, p.Lys139Glu (NM_001204824.2); short protein forms K139E, K259E.
Identifiers: ClinVar variation 1499208 (VCV001499208.8), dbSNP rs2130156284, ClinGen allele CA372290654.